The following is an entry in ClinVar:

ClinVar aggregate classification (germline): Uncertain significance. Review status: criteria provided, multiple submitters, no conflicts (2 of 4 stars). 2 submissions from 2 submitters: Uncertain significance (2). Last evaluated 2025-04-30.

Conditions:
Spastic paraplegia. Identifiers: MedGen C0037772, HP:0001258.
Inborn genetic diseases. Identifiers: MedGen C0950123, MeSH D030342.

Allele frequency attached by ClinVar (database versions not stated): gnomAD exomes below 0.00001.

Submissions (2):

Ambry Genetics
Classification: Uncertain significance for Inborn genetic diseases. Last evaluated: 2025-04-30. Review status: criteria provided, single submitter. Criteria: Ambry Variant Classification Scheme 2023. Collection method: clinical testing. Allele origin: germline.

Labcorp Genetics (formerly Invitae), Labcorp
Classification: Uncertain significance for Spastic paraplegia. Last evaluated: 2022-06-10. Review status: criteria provided, single submitter. Criteria: Invitae Variant Classification Sherloc (09022015). Collection method: clinical testing. Allele origin: germline.
Comment: In summary, the available evidence is currently insufficient to determine the role of this variant in disease. Therefore, it has been classified as a Variant of Uncertain Significance. Algorithms developed to predict the effect of missense changes on protein structure and function are either unavailable or do not agree on the potential impact of this missense change (SIFT: "Tolerated"; PolyPhen-2: "Probably Damaging"; Align-GVGD: "Class C0"). This variant has not been reported in the literature in individuals affected with B4GALNT1-related conditions. This variant is not present in population databases (gnomAD no frequency). This sequence change replaces phenylalanine, which is neutral and non-polar, with leucine, which is neutral and non-polar, at codon 463 of the B4GALNT1 protein (p.Phe463Leu).

NM_001478.5(B4GALNT1):c.1389C>A (p.Phe463Leu)

Gene: B4GALNT1 (beta-1,4-N-acetyl-galactosaminyltransferase 1; minus strand). Cytogenetic location: 12q13.3.
Variant type: single nucleotide variant.
Coding change: c.1389C>A on transcript NM_001478.5 (MANE Select); coding-DNA position 1389, C replaced by A.
Protein change: p.Phe463Leu; replaces phenylalanine 463 with leucine.
Molecular consequence: missense variant.
Genome position (GRCh38, 1-based): chr12:57,626,957, G>T on the plus strand (C>A on the coding strand, the complement: B4GALNT1 is on the minus strand). VCF-style: chr12-57626957-G-T. GRCh37 (hg19) VCF-style: chr12-58020740-G-T.
Other names: c.1389C>A (NM_001478.3); c.1224C>A, p.Phe408Leu (NM_001276468.2, NM_001413978.1); c.1557C>A, p.Phe519Leu (NM_001413967.1); c.1524C>A, p.Phe508Leu (NM_001413968.1, NM_001413969.1); c.1422C>A, p.Phe474Leu (NM_001413970.1, NM_001413971.1, NM_001413972.1); c.1389C>A, p.Phe463Leu (NM_001413973.1, NM_001413974.1); c.1290C>A, p.Phe430Leu (NM_001413977.1); c.537C>A, p.Phe179Leu (NM_001413981.1); and 2 more; short protein forms F179L, F134L, F474L, F145L, F430L, F508L, F408L, F463L.
Identifiers: ClinVar variation 2089201 (VCV002089201.5), dbSNP rs1594976604, ClinGen allele CA385493315.